The following is an entry in ClinVar:

NM_022836.4(DCLRE1B):c.189+197G>A

Gene: DCLRE1B (DNA cross-link repair 1B; plus strand). Cytogenetic location: 1p13.2.
Variant type: single nucleotide variant.
Coding change: c.189+197G>A on transcript NM_022836.4 (MANE Select); 197 bases into the intron after coding-DNA position 189, G replaced by A.
Molecular consequence: intron variant.
Genome position (GRCh38, 1-based): chr1:113,905,972, G>A. VCF-style: chr1-113905972-G-A. GRCh37 (hg19) VCF-style: chr1-114448594-G-A.
Other names: c.-24+197G>A (NM_001319947.2, NM_001319946.2, NM_001363691.2); c.189+197G>A (NM_001363690.2).
Identifiers: ClinVar variation 4795388 (VCV004795388.1).

ClinVar aggregate classification (germline): Likely benign (1 of 4 stars; one submission).

gnomAD v4.1: 2,565 of 151,656 alleles (1.7%); highest among the groups gnomAD compares: Non-Finnish European, 2.4%; 34 homozygotes.

Submission:

GeneDx
Classification: Likely benign. Last evaluated: 2018-07-10. Review status: criteria provided, single submitter. Criteria: GeneDx Variant Classification Process June 2021. Collection method: clinical testing. Allele origin: germline. Affected: yes.
Comment: See Variant Classification Assertion Criteria.